The following is an entry in ClinVar:

ClinVar aggregate classification (germline): Likely benign. Review status: criteria provided, multiple submitters, no conflicts (2 of 4 stars). 2 submissions from 2 submitters: Likely benign (2). Last evaluated 2024-12-02.

Conditions:
COL11A2-related disorder. Also called: COL11A2-related disorders; COL11A2-related condition.

Allele frequency attached by ClinVar (database versions not stated): ExAC 0.00001; gnomAD 0.00001; TOPMed 0.00001; ESP Exome Variant Server 0.00012.
gnomAD v4.1: 1 of 1,614,036 alleles (0.000062%); highest among the groups gnomAD compares: Non-Finnish European, 0.000085%; no homozygotes.

Submissions (2):

PreventionGenetics, part of Exact Sciences
Classification: Likely benign for COL11A2-related condition. Last evaluated: 2024-12-02. Review status: criteria provided, single submitter. Criteria: ACMG Guidelines, 2015. Collection method: clinical testing. Allele origin: germline.
Comment: This variant is classified as likely benign based on ACMG/AMP sequence variant interpretation guidelines (Richards et al. 2015 PMID: 25741868, with internal and published modifications).

GeneDx
Classification: Likely benign. Last evaluated: 2020-11-04. Review status: criteria provided, single submitter. Criteria: GeneDx Variant Classification Process June 2021. Collection method: clinical testing. Allele origin: germline. Affected: yes.
Comment: See Variant Classification Assertion Criteria.

NM_080680.3(COL11A2):c.1612-3C>T

Gene: COL11A2 (collagen type XI alpha 2 chain; minus strand). Cytogenetic location: 6p21.32.
Variant type: single nucleotide variant.
Coding change: c.1612-3C>T on transcript NM_080680.3 (MANE Select); 3 bases into the intron before coding-DNA position 1612, C replaced by T.
Molecular consequence: intron variant.
Genome position (GRCh38, 1-based): chr6:33,178,976, G>A on the plus strand (C>T on the coding strand, the complement: COL11A2 is on the minus strand). VCF-style: chr6-33178976-G-A. GRCh37 (hg19) VCF-style: chr6-33146753-G-A.
Other names: c.1612-3C>T (NM_080680.2); c.1291-3C>T (NM_080679.3); c.1354-3C>T (NM_080681.3).
Identifiers: ClinVar variation 2499442 (VCV002499442.2), dbSNP rs377304151, ClinGen allele CA3751281.